The following is an entry in ClinVar:

ClinVar aggregate classification (germline): Uncertain significance (1 of 4 stars; one submission).

Conditions:
Autosomal dominant nocturnal frontal lobe epilepsy 5. Also called: Epilepsy, nocturnal frontal lobe, 5; CILIARY DYSKINESIA, PRIMARY, 28, WITHOUT SITUS INVERSUS; CILIARY DYSKINESIA, PRIMARY, 28, WITH SITUS INVERSUS; KCNT1-Related Epilepsy. Identifiers: Orphanet 98784, MedGen C3554306, MONDO:0014002, OMIM 615005.
Developmental and epileptic encephalopathy, 14 (DEE14). Also called: Early infantile epileptic encephalopathy 14. Identifiers: Orphanet 293181, MedGen C3554195, MONDO:0013989, OMIM 614959.

gnomAD v4.1: 1 of 1,602,306 alleles (0.000062%); highest among the groups gnomAD compares: Non-Finnish European, 0.000085%; no homozygotes.

Submission:

Labcorp Genetics (formerly Invitae), Labcorp
Classification: Uncertain significance for Autosomal dominant nocturnal frontal lobe epilepsy 5; Developmental and epileptic encephalopathy, 14. Last evaluated: 2023-05-16. Review status: criteria provided, single submitter. Criteria: Invitae Variant Classification Sherloc (09022015). Collection method: clinical testing. Allele origin: germline.
Comment: This sequence change affects codon 285 of the KCNT1 mRNA. It is a 'silent' change, meaning that it does not change the encoded amino acid sequence of the KCNT1 protein. It affects a nucleotide within the consensus splice site. In summary, the available evidence is currently insufficient to determine the role of this variant in disease. Therefore, it has been classified as a Variant of Uncertain Significance. Algorithms developed to predict the effect of sequence changes on RNA splicing suggest that this variant may disrupt the consensus splice site. This variant has not been reported in the literature in individuals affected with KCNT1-related conditions. This variant is not present in population databases (gnomAD no frequency).

NM_020822.3(KCNT1):c.855G>C (p.Gly285=)

Gene: KCNT1 (potassium sodium-activated channel subfamily T member 1; plus strand). Cytogenetic location: 9q34.3.
Variant type: single nucleotide variant.
Coding change: c.855G>C on transcript NM_020822.3 (MANE Select); coding-DNA position 855, G replaced by C.
Protein change: p.Gly285=; no amino-acid change (glycine 285 retained).
Molecular consequence: synonymous variant. On other transcripts: missense variant (1).
Genome position (GRCh38, 1-based): chr9:135,759,679, G>C. VCF-style: chr9-135759679-G-C. GRCh37 (hg19) VCF-style: chr9-138651525-G-C.
Other names: c.720G>C, p.Arg240Ser (NM_001272003.2); short protein forms R240S.
Identifiers: ClinVar variation 2939805 (VCV002939805.3), dbSNP rs900974997, ClinGen allele CA375498350.
Genomic context (GRCh38, chr9:135,759,679, plus strand): 5'-AGGGGCCACGGCCCCCCAGCTCCTGGGCCCCAGGCCGCCCCTCACTGCCAGGGGTTGCAG[G>C]ACCTGCGGCATCCAGCACCTGGAGCGGGCGGGCGAGAACCTGTCCCTCCTGACCTCCTTC-3'
Protein context (NP_065873.2, residues 275-295): FCTLLCLVFT[Gly285=]TCGIQHLERA